The following is an entry in ClinVar:

ClinVar aggregate classification (germline): Uncertain significance (1 of 4 stars; one submission).

Allele frequency attached by ClinVar (database versions not stated): gnomAD exomes below 0.00001 and 0.00001; gnomAD 0.00001; ExAC 0.00002.
gnomAD v4.1: 6 of 1,611,794 alleles (0.00037%); highest among the groups gnomAD compares: Admixed American, 0.0017%; no homozygotes.

Submission:

Labcorp Genetics (formerly Invitae), Labcorp
Classification: Uncertain significance. Last evaluated: 2025-12-01. Review status: criteria provided, single submitter. Criteria: Invitae Variant Classification Sherloc (09022015). Collection method: clinical testing. Allele origin: germline.
Comment: This sequence change replaces serine, which is neutral and polar, with leucine, which is neutral and non-polar, at codon 772 of the DSCAML1 protein (p.Ser772Leu). This variant is present in population databases (rs748617884, gnomAD 0.003%). This variant has not been reported in the literature in individuals affected with DSCAML1-related conditions. ClinVar contains an entry for this variant (Variation ID: 1489029). An algorithm developed to predict the effect of missense changes on protein structure and function (PolyPhen-2) suggests that this variant is likely to be disruptive. In summary, the available evidence is currently insufficient to determine the role of this variant in disease. Therefore, it has been classified as a Variant of Uncertain Significance.

NM_020693.4(DSCAML1):c.2135C>T (p.Ser712Leu)

Gene: DSCAML1 (DS cell adhesion molecule like 1; minus strand). Cytogenetic location: 11q23.3.
Variant type: single nucleotide variant.
Coding change: c.2135C>T on transcript NM_020693.4 (MANE Select); coding-DNA position 2135, C replaced by T.
Protein change: p.Ser712Leu; replaces serine 712 with leucine.
Molecular consequence: missense variant.
Genome position (GRCh38, 1-based): chr11:117,504,971, G>A on the plus strand (C>T on the coding strand, the complement: DSCAML1 is on the minus strand). VCF-style: chr11-117504971-G-A. GRCh37 (hg19) VCF-style: chr11-117375686-G-A.
Other names: c.2135C>T, p.Ser712Leu (NM_001367904.1); short protein forms S712L.
Identifiers: ClinVar variation 1489029 (VCV001489029.6), dbSNP rs748617884, ClinGen allele CA6297096.